The following is an entry in ClinVar:

ClinVar aggregate classification (germline): Uncertain significance (1 of 4 stars; one submission).

Submission:

Labcorp Genetics (formerly Invitae), Labcorp
Classification: Uncertain significance. Last evaluated: 2024-08-19. Review status: criteria provided, single submitter. Criteria: Invitae Variant Classification Sherloc (09022015). Collection method: clinical testing. Allele origin: germline.
Comment: This sequence change replaces aspartic acid, which is acidic and polar, with alanine, which is neutral and non-polar, at codon 1233 of the CDK13 protein (p.Asp1233Ala). This variant is present in population databases (no rsID available, gnomAD 0.003%). This variant has not been reported in the literature in individuals affected with CDK13-related conditions. Invitae Evidence Modeling of protein sequence and biophysical properties (such as structural, functional, and spatial information, amino acid conservation, physicochemical variation, residue mobility, and thermodynamic stability) indicates that this missense variant is not expected to disrupt CDK13 protein function with a negative predictive value of 95%. In summary, the available evidence is currently insufficient to determine the role of this variant in disease. Therefore, it has been classified as a Variant of Uncertain Significance.

NM_003718.5(CDK13):c.3698A>C (p.Asp1233Ala)

Gene: CDK13 (cyclin dependent kinase 13; plus strand). Cytogenetic location: 7p14.1.
Variant type: single nucleotide variant.
Coding change: c.3698A>C on transcript NM_003718.5 (MANE Select); coding-DNA position 3698, A replaced by C.
Protein change: p.Asp1233Ala; replaces aspartic acid 1233 with alanine.
Molecular consequence: missense variant.
Genome position (GRCh38, 1-based): chr7:40,094,139, A>C. VCF-style: chr7-40094139-A-C. GRCh37 (hg19) VCF-style: chr7-40133738-A-C.
Other names: c.3518A>C, p.Asp1173Ala (NM_031267.4); short protein forms D1173A, D1233A.
Identifiers: ClinVar variation 2868867 (VCV002868867.3), dbSNP rs916286118, ClinGen allele CA157267136.